The following is an entry in ClinVar:

NM_001036.6(RYR3):c.2646G>T (p.Met882Ile)

Gene: RYR3 (ryanodine receptor 3; plus strand). Cytogenetic location: 15q14.
Variant type: single nucleotide variant.
Coding change: c.2646G>T on transcript NM_001036.6 (MANE Select); coding-DNA position 2646, G replaced by T.
Protein change: p.Met882Ile; replaces methionine 882 with isoleucine.
Molecular consequence: missense variant.
Genome position (GRCh38, 1-based): chr15:33,628,542, G>T. VCF-style: chr15-33628542-G-T. GRCh37 (hg19) VCF-style: chr15-33920743-G-T.
Other names: c.2646G>T, p.Met882Ile (NM_001243996.4); short protein forms M882I.
Identifiers: ClinVar variation 954714 (VCV000954714.9), dbSNP rs1465936417, ClinGen allele CA391569300.

ClinVar aggregate classification (germline): Uncertain significance (1 of 4 stars; one submission).

Conditions:
Epileptic encephalopathy. Identifiers: MedGen C0543888, HP:0200134.

Allele frequency attached by ClinVar (database versions not stated): gnomAD exomes below 0.00001; TOPMed 0.00001.

Submission:

Labcorp Genetics (formerly Invitae), Labcorp
Classification: Uncertain significance for Epileptic encephalopathy. Last evaluated: 2019-09-24. Review status: criteria provided, single submitter. Criteria: Invitae Variant Classification Sherloc (09022015). Collection method: clinical testing. Allele origin: germline.
Comment: In summary, the available evidence is currently insufficient to determine the role of this variant in disease. Therefore, it has been classified as a Variant of Uncertain Significance. Algorithms developed to predict the effect of missense changes on protein structure and function are either unavailable or do not agree on the potential impact of this missense change (SIFT: "Deleterious"; PolyPhen-2: "Probably Damaging"; Align-GVGD: "Class C0"). This variant has not been reported in the literature in individuals with RYR3-related conditions. This variant is not present in population databases (ExAC no frequency). This sequence change replaces methionine with isoleucine at codon 882 of the RYR3 protein (p.Met882Ile). The methionine residue is highly conserved and there is a small physicochemical difference between methionine and isoleucine.